The following is an entry in ClinVar:

NM_001433705.1(NLRP5):c.470-87A>G

Gene: NLRP5 (NLR family pyrin domain containing 5; plus strand). Cytogenetic location: 19q13.43.
Variant type: single nucleotide variant.
Coding change: c.470-87A>G on transcript NM_001433705.1 (MANE Select); 87 bases into the intron before coding-DNA position 470, A replaced by G.
Molecular consequence: intron variant.
Genome position (GRCh38, 1-based): chr19:56,020,288, A>G. VCF-style: chr19-56020288-A-G. GRCh37 (hg19) VCF-style: chr19-56531654-A-G.
Other names: NM_153447.4:c.623-87A>G.
Identifiers: ClinVar variation 103300 (VCV000103300.2), dbSNP rs199475770, ClinGen allele CA230385.
Genomic context (GRCh38, chr19:56,020,288, plus strand): 5'-GCACTCTGTCTTCTAGTTGAGCCGGTGGTTGTCATGTTTTCAACTGGCCAGAAAATAAAT[A>G]TGGCATGACTAAGCTTATCTTGGGGGTGTCTGACATCTCTGACTCGAATAATAAACACAA-3'

ClinVar aggregate classification (germline): not provided (0 of 4 stars; one submission).

Allele frequency attached by ClinVar (database versions not stated): TOPMed 0.00061; 1000 Genomes Project 30x 0.00109; gnomAD 0.00025 and 0.00037; gnomAD exomes 0.00029; 1000 Genomes Project 0.00080.
gnomAD v4.1: 450 of 1,503,698 alleles (0.03%); highest among the groups gnomAD compares: East Asian, 0.94%; 5 homozygotes.

Submission:

Human Evolutionary Genetics, Institut Pasteur
No classification provided. Review status: no classification provided. Collection method: not provided. Allele origin: germline.
ClinVar note: Converted during submission from untested to not provided.